The following is an entry in ClinVar:

ClinVar aggregate classification (germline): Conflicting classifications of pathogenicity. Review status: criteria provided, conflicting classifications (1 of 4 stars). 3 submissions from 3 submitters: Uncertain significance (1); Benign (1); Likely benign (1). Last evaluated 2025-09-18.

Conditions:
Autosomal dominant striatal neurodegeneration type 1. Identifiers: Orphanet 228169, MedGen C4310808, MONDO:0012205, OMIM 609161.
Inborn genetic diseases. Identifiers: MedGen C0950123, MeSH D030342.

Allele frequency attached by ClinVar (database versions not stated): ESP Exome Variant Server 0.00015; TOPMed 0.00029; gnomAD exomes 0.00047 and 0.00062; ExAC 0.00049; gnomAD 0.00050 and 0.00053.
gnomAD v4.1: 964 of 1,613,954 alleles (0.06%); highest among the groups gnomAD compares: Non-Finnish European, 0.069%; no homozygotes.

Submissions (3):

Labcorp Genetics (formerly Invitae), Labcorp
Classification: Likely benign. Last evaluated: 2025-09-18. Review status: criteria provided, single submitter. Criteria: Invitae Variant Classification Sherloc (09022015). Collection method: clinical testing. Allele origin: germline.

Ambry Genetics
Classification: Uncertain significance for Inborn genetic diseases. Last evaluated: 2023-12-21. Review status: criteria provided, single submitter. Criteria: Ambry Variant Classification Scheme 2023. Collection method: clinical testing. Allele origin: germline.

Illumina Laboratory Services, Illumina
Classification: Benign for Autosomal dominant striatal neurodegeneration type 1. Last evaluated: 2018-01-13. Review status: criteria provided, single submitter. Criteria: ICSL Variant Classification Criteria 13 December 2019. Collection method: clinical testing. Allele origin: germline.
Comment: This variant was observed in the ICSL laboratory as part of a predisposition screen in an ostensibly healthy population. It had not been previously curated by ICSL or reported in the Human Gene Mutation Database (HGMD: prior to June 1st, 2018), and was therefore a candidate for classification through an automated scoring system. Utilizing variant allele frequency, disease prevalence and penetrance estimates, and inheritance mode, an automated score was calculated to assess if this variant is too frequent to cause the disease. Based on the score and internal cut-off values, a variant classified as benign is not then subjected to further curation. The score for this variant resulted in a classification of benign for this disease.

NM_003719.5(PDE8B):c.1309C>T (p.Arg437Cys)

Gene: PDE8B (phosphodiesterase 8B; plus strand). Cytogenetic location: 5q13.3.
Variant type: single nucleotide variant.
Coding change: c.1309C>T on transcript NM_003719.5 (MANE Select); coding-DNA position 1309, C replaced by T.
Protein change: p.Arg437Cys; replaces arginine 437 with cysteine.
Molecular consequence: missense variant.
Genome position (GRCh38, 1-based): chr5:77,407,401, C>T. VCF-style: chr5-77407401-C-T. GRCh37 (hg19) VCF-style: chr5-76703226-C-T.
Other names: c.1018C>T, p.Arg340Cys (NM_001029851.4); c.1309C>T, p.Arg437Cys (NM_001029852.4); c.1249C>T, p.Arg417Cys (NM_001029853.4); c.1168C>T, p.Arg390Cys (NM_001029854.4); c.1306C>T, p.Arg436Cys (NM_001349748.3, NM_001349751.3); c.1372C>T, p.Arg458Cys (NM_001349749.3); c.1069C>T, p.Arg357Cys (NM_001349750.3); c.1003C>T, p.Arg335Cys (NM_001349752.3); and 12 more; short protein forms R437C, R313C, R436C, R335C, R340C, R390C, R417C, R458C.
Identifiers: ClinVar variation 354160 (VCV000354160.13), dbSNP rs201363586, ClinGen allele CA3315236.
Genomic context (GRCh38, chr5:77,407,401, plus strand): 5'-GCCACCGGAACTGGACACAGCTTTCTTGCCTTCTCTCCAGCACCAAGCCTGCAGAATCGT[C>T]GCTATCCGTCCATGGCGAGGATCCACTCCATGACCATCGAGGCTCCCATCACAAAGGTGA-3'
Protein context (NP_003710.1, residues 427-447): GSDAPSLQNR[Arg437Cys]YPSMARIHSM